The following is an entry in ClinVar:

NM_005629.4(SLC6A8):c.301G>A (p.Gly101Arg)

Gene: SLC6A8 (solute carrier family 6 member 8; plus strand). Cytogenetic location: Xq28.
Variant type: single nucleotide variant.
Coding change: c.301G>A on transcript NM_005629.4 (MANE Select); coding-DNA position 301, G replaced by A.
Protein change: p.Gly101Arg; replaces glycine 101 with arginine.
Molecular consequence: missense variant. On other transcripts: 5 prime UTR variant (1).
Genome position (GRCh38, 1-based): chrX:153,690,413, G>A. VCF-style: chrX-153690413-G-A. GRCh37 (hg19) VCF-style: chrX-152955868-G-A.
Other names: NM_001142805.2:c.301G>A; c.301G>A, p.Gly101Arg (NM_001142805.2); c.-45G>A (NM_001142806.1); short protein forms G101R.
Identifiers: ClinVar variation 3066438 (VCV003066438.2), dbSNP rs2522152299, ClinGen allele CA415077486.

ClinVar aggregate classification (germline): Uncertain significance (3 of 4 stars; one submission).

Conditions:
Creatine transporter deficiency (CCDS1). Also called: Mental retardation , X-linked with seizures, short stature and midface hypoplasia; Mental retardation , X-linked, with creatine transport deficiency; X-linked creatine transporter deficiency; X-linked creatine deficiency syndrome; SLC6A8-Related Creatine Transporter Deficiency; CREATINE TRANSPORTER DEFECT. Identifiers: Orphanet 52503, MedGen C1845862, MONDO:0010305, OMIM 300352.

Submission:

ClinGen Cerebral Creatine Deficiency Syndromes Variant Curation Expert Panel, ClinGen
Classification: Uncertain significance for Creatine transporter deficiency. Last evaluated: 2026-04-28. Review status: reviewed by expert panel. Criteria: ClinGen_CCDS_ACMG_Specifications_SLC6A8_v1.1. Collection method: curation. Allele origin: germline. Inheritance: X-linked inheritance.
Comment: The NM_005629.4:c.301G>A variant in SLC6A8 is predicted to results in the substitution of glycine by arginine at amino acid 101 (p.Gly101Arg). Urine creatine level, brain creatine level on MRS, and creatine uptake studies are not available (insufficient evidence to apply PP4 or PP1) (PMID: 35588794). The variant is absent in gnomAD v4.1.0. (PM2_Supporting). The computational predictor REVEL gives a score of 0.685 which is neither above nor below the thresholds predicting a damaging (>0.75) or benign (<0.2) impact on SLC6A8 function. SpliceAI gave a score for acceptor gain of 0.34, 25 bp upstream, but the impact on splicing is unclear. In summary, the variant meets the criteria to be classified as a variant of uncertain significance for creatine transporter deficiency. SLC6A8-specific ACMG/AMP criteria applied, as specified by the ClinGen Cerebral Creatine Deficiency Syndromes Variant Curation Expert Panel (Specifications Version 1.2.0.): PM2_Supporting. (Classification approved by the ClinGen CCDS Cerebral Creatine Deficiency Syndromes Variant Curation Expert Panel on April 28, 2026)